The following is an entry in ClinVar:

ClinVar aggregate classification (germline): Likely pathogenic (1 of 4 stars; one submission).

Submission:

GeneDx
Classification: Likely pathogenic. Last evaluated: 2016-02-11. Review status: criteria provided, single submitter. Criteria: GeneDx Variant Classification (06012015). Collection method: clinical testing. Allele origin: germline. Affected: yes.
Comment: The K188E variant in the SMC3 gene has not been reported previously as a pathogenic variant, nor as a benign variant, to our knowledge. The K188E variant was not observed in approximately 6500 individuals of European and African American ancestry in the NHLBI Exome Sequencing Project, indicating it is not a common benign variant in these populations. The K188E variant is a non-conservative amino acid substitution, which is likely to impact secondary protein structure as these residues differ in polarity, charge, size and/or other properties. This substitution occurs at a position that is conserved across species. In silico analysis is inconsistent in its predictions as to whether or not the variant is damaging to the protein structure/function. The K188E variant is a strong candidate for a pathogenic variant, however, the possibility it may be a rare benign variant cannot be excluded.

NM_005445.4(SMC3):c.562A>G (p.Lys188Glu)

Gene: SMC3 (structural maintenance of chromosomes 3; plus strand). Cytogenetic location: 10q25.2.
Variant type: single nucleotide variant.
Coding change: c.562A>G on transcript NM_005445.4 (MANE Select); coding-DNA position 562, A replaced by G.
Protein change: p.Lys188Glu; replaces lysine 188 with glutamic acid.
Molecular consequence: missense variant.
Genome position (GRCh38, 1-based): chr10:110,581,937, A>G. VCF-style: chr10-110581937-A-G. GRCh37 (hg19) VCF-style: chr10-112341695-A-G.
Other names: short protein forms K188E.
Identifiers: ClinVar variation 383548 (VCV000383548.2), dbSNP rs1057521663, ClinGen allele CA16605599.